The following is an entry in ClinVar:

NM_000280.4(PAX6):c.*3746C>T

Genes: ELP4 (elongator acetyltransferase complex subunit 4; plus strand), PAX6 (paired box 6; minus strand). Cytogenetic location: 11p13.
Variant type: single nucleotide variant.
Coding change: c.*3746C>T on transcript NM_000280.4; 3746 bases downstream of the stop codon, C replaced by T.
Molecular consequence: 3 prime UTR variant (on NM_019040.5).
Genome position (GRCh38, 1-based): chr11:31,786,188, G>A on the plus strand (C>T on the coding strand, the complement: PAX6 is on the minus strand). VCF-style: chr11-31786188-G-A. GRCh37 (hg19) VCF-style: chr11-31807736-G-A.
Other names: c.*2650G>A (NM_001288725.2); c.*2759G>A (NM_001288726.2); c.*2664G>A (NM_019040.5).
Identifiers: ClinVar variation 304304 (VCV000304304.8), dbSNP rs567720234, ClinGen allele CA10638285.

ClinVar aggregate classification (germline): Conflicting classifications of pathogenicity. Review status: criteria provided, conflicting classifications (1 of 4 stars). 6 submissions from 1 submitter: Uncertain significance (1); Benign (5). Last evaluated 2018-01-13.

Conditions:
Anophthalmia-microphthalmia syndrome. Also called: Anophthalmia/Microphthalmia; Anophthalmia - microphthalmia. Identifiers: Orphanet 98555, MedGen C5680330, MONDO:0020147.
Autosomal dominant keratitis. Also called: Keratitis, hereditary. Identifiers: Orphanet 2334, MedGen C1835698, MONDO:0007848, OMIM 148190.
11p partial monosomy syndrome (WAGR). Also called: WAGR Spectrum Disorder; WAGR syndrome; WAGR Complex; CHROMOSOME 11p13 DELETION SYNDROME. Identifiers: Orphanet 893, MedGen C0206115, MONDO:0008681, OMIM 194072.
Foveal hypoplasia 1. Also called: FOVEAL HYPOPLASIA 1 WITH OR WITHOUT ANTERIOR SEGMENT ANOMALIES AND/OR CATARACT; FOVEAL HYPOPLASIA 1 WITH ANTERIOR SEGMENT ANOMALIES. Identifiers: Orphanet 2253, MedGen C3805604, MONDO:0007628, OMIM 136520.
Aniridia 1 (AN1). Identifiers: Orphanet 250923, MedGen C0344542, MONDO:0024507, OMIM 106210.
carboxymethyl-dextran-A2-gadolinium-DOTA.

Allele frequency attached by ClinVar (database versions not stated): TOPMed 0.00006; gnomAD exomes 0.00002; 1000 Genomes Project 0.00040; 1000 Genomes Project 30x 0.00031; gnomAD 0.00005 and 0.00007.
gnomAD v4.1: 11 of 203,942 alleles (0.0054%); highest among the groups gnomAD compares: East Asian, 0.082%; no homozygotes.

Submissions (6):

Illumina Laboratory Services, Illumina
Classification: Benign for Aniridia 1. Last evaluated: 2018-01-13. Review status: criteria provided, single submitter. Criteria: ICSL Variant Classification Criteria 13 December 2019. Collection method: clinical testing. Allele origin: germline.
Comment: This variant was observed in the ICSL laboratory as part of a predisposition screen in an ostensibly healthy population. It had not been previously curated by ICSL or reported in the Human Gene Mutation Database (HGMD: prior to June 1st, 2018), and was therefore a candidate for classification through an automated scoring system. Utilizing variant allele frequency, disease prevalence and penetrance estimates, and inheritance mode, an automated score was calculated to assess if this variant is too frequent to cause the disease. Based on the score and internal cut-off values, a variant classified as benign is not then subjected to further curation. The score for this variant resulted in a classification of benign for this disease.

Illumina Laboratory Services, Illumina
Classification: Benign for carboxymethyl-dextran-A2-gadolinium-DOTA. Last evaluated: 2018-01-13. Review status: criteria provided, single submitter. Criteria: ICSL Variant Classification Criteria 13 December 2019. Collection method: clinical testing. Allele origin: germline.
Comment: the same text as in the submission from Illumina Laboratory Services, Illumina above.

Illumina Laboratory Services, Illumina
Classification: Benign for Autosomal dominant keratitis. Last evaluated: 2018-01-13. Review status: criteria provided, single submitter. Criteria: ICSL Variant Classification Criteria 13 December 2019. Collection method: clinical testing. Allele origin: germline.
Comment: the same text as in the submission from Illumina Laboratory Services, Illumina above.

Illumina Laboratory Services, Illumina
Classification: Benign for Foveal hypoplasia 1. Last evaluated: 2018-01-13. Review status: criteria provided, single submitter. Criteria: ICSL Variant Classification Criteria 13 December 2019. Collection method: clinical testing. Allele origin: germline.
Comment: the same text as in the submission from Illumina Laboratory Services, Illumina above.

Illumina Laboratory Services, Illumina
Classification: Uncertain significance for Anophthalmia-microphthalmia syndrome. Last evaluated: 2018-01-13. Review status: criteria provided, single submitter. Criteria: ICSL Variant Classification Criteria 13 December 2019. Collection method: clinical testing. Allele origin: germline.

Illumina Laboratory Services, Illumina
Classification: Benign for Wilms tumor, aniridia, genitourinary anomalies, and mental retardation syndrome. Last evaluated: 2018-01-13. Review status: criteria provided, single submitter. Criteria: ICSL Variant Classification Criteria 13 December 2019. Collection method: clinical testing. Allele origin: germline.
Comment: the same text as in the submission from Illumina Laboratory Services, Illumina above.